The following is an entry in ClinVar:

ClinVar aggregate classification (germline): Pathogenic/Likely pathogenic. Review status: criteria provided, multiple submitters, no conflicts (2 of 4 stars). 2 submissions from 2 submitters: Pathogenic (1); Likely pathogenic (1). Last evaluated 2023-05-11.

Submissions (2):

Labcorp Genetics (formerly Invitae), Labcorp
Classification: Pathogenic. Last evaluated: 2023-05-11. Review status: criteria provided, single submitter. Criteria: Invitae Variant Classification Sherloc (09022015). Collection method: clinical testing. Allele origin: germline.
Comment: This sequence change creates a premature translational stop signal (p.Glu104*) in the GNAS gene. It is expected to result in an absent or disrupted protein product. Loss-of-function variants in GNAS are known to be pathogenic (PMID: 11784876, 23281139, 23796510, 25802881). This variant is not present in population databases (gnomAD no frequency). For these reasons, this variant has been classified as Pathogenic. ClinVar contains an entry for this variant (Variation ID: 1677771). This variant has not been reported in the literature in individuals affected with GNAS-related conditions.

AiLife Diagnostics
Classification: Likely pathogenic. Last evaluated: 2021-05-24. Review status: criteria provided, single submitter. Criteria: ACMG Guidelines, 2015. Collection method: clinical testing. Allele origin: germline. Affected: yes. Observed: 1 variant allele.

Literature cited by the submitters: PubMed 11784876 (cited by Labcorp Genetics (formerly Invitae), Labcorp); PubMed 23281139 (cited by Labcorp Genetics (formerly Invitae), Labcorp); PubMed 23796510 (cited by Labcorp Genetics (formerly Invitae), Labcorp); PubMed 25802881 (cited by Labcorp Genetics (formerly Invitae), Labcorp).

NM_000516.7(GNAS):c.310G>T (p.Glu104Ter)

Gene: GNAS (GNAS complex locus; plus strand). Cytogenetic location: 20q13.32.
Variant type: single nucleotide variant.
Coding change: c.310G>T on transcript NM_000516.7 (MANE Select); coding-DNA position 310, G replaced by T.
Protein change: p.Glu104Ter; replaces glutamic acid 104 with a stop codon.
Molecular consequence: nonsense. On other transcripts: 3 prime UTR variant (2).
Genome position (GRCh38, 1-based): chr20:58,903,583, G>T. VCF-style: chr20-58903583-G-T. GRCh37 (hg19) VCF-style: chr20-57478638-G-T.
Other names: c.313G>T, p.Glu105Ter (NM_001077488.5); c.265G>T, p.Glu89Ter (NM_001077489.4); c.*171G>T (NM_001077490.3); c.133G>T, p.Glu45Ter (NM_001309840.2, NM_001309861.2); c.*216G>T (NM_016592.5); c.2239G>T, p.Glu747Ter (NM_080425.4); c.268G>T, p.Glu90Ter (NM_080426.4); short protein forms E104*, E105*, E45*, E747*, E89*, E90*.
Identifiers: ClinVar variation 1677771 (VCV001677771.4), dbSNP rs2146178875, ClinGen allele CA409450335.